The following is an entry in ClinVar:

ClinVar aggregate classification (germline): Uncertain significance (1 of 4 stars; one submission).

Conditions:
Infantile neuroaxonal dystrophy (NBIA2A). Also called: NEURODEGENERATION WITH BRAIN IRON ACCUMULATION 2A; SEITELBERGER DISEASE; Infantile neuroaxonal dystrophy 1. Identifiers: Orphanet 35069, MedGen C0270724, MONDO:0024457, OMIM 256600.

Submission:

Labcorp Genetics (formerly Invitae), Labcorp
Classification: Uncertain significance for Infantile neuroaxonal dystrophy. Last evaluated: 2024-12-09. Review status: criteria provided, single submitter. Criteria: Invitae Variant Classification Sherloc (09022015). Collection method: clinical testing. Allele origin: germline.
Comment: This sequence change replaces glutamic acid, which is acidic and polar, with glutamine, which is neutral and polar, at codon 473 of the PLA2G6 protein (p.Glu473Gln). This variant is not present in population databases (gnomAD no frequency). This variant has not been reported in the literature in individuals affected with PLA2G6-related conditions. ClinVar contains an entry for this variant (Variation ID: 2061089). Invitae Evidence Modeling of protein sequence and biophysical properties (such as structural, functional, and spatial information, amino acid conservation, physicochemical variation, residue mobility, and thermodynamic stability) indicates that this missense variant is not expected to disrupt PLA2G6 protein function with a negative predictive value of 80%. In summary, the available evidence is currently insufficient to determine the role of this variant in disease. Therefore, it has been classified as a Variant of Uncertain Significance.

NM_003560.4(PLA2G6):c.1417G>C (p.Glu473Gln)

Gene: PLA2G6 (phospholipase A2 group VI; minus strand). Cytogenetic location: 22q13.1.
Variant type: single nucleotide variant.
Coding change: c.1417G>C on transcript NM_003560.4 (MANE Select); coding-DNA position 1417, G replaced by C.
Protein change: p.Glu473Gln; replaces glutamic acid 473 with glutamine.
Molecular consequence: missense variant.
Genome position (GRCh38, 1-based): chr22:38,126,381, C>G on the plus strand (G>C on the coding strand, the complement: PLA2G6 is on the minus strand). VCF-style: chr22-38126381-C-G. GRCh37 (hg19) VCF-style: chr22-38522388-C-G.
Other names: c.1255G>C, p.Glu419Gln (NM_001004426.3, NM_001199562.3, NM_001349865.2 and 1 more transcripts); c.1417G>C, p.Glu473Gln (NM_001349864.2); c.883G>C, p.Glu295Gln (NM_001349867.2); c.739G>C, p.Glu247Gln (NM_001349868.2); c.721G>C, p.Glu241Gln (NM_001349869.2); short protein forms E295Q, E473Q, E241Q, E247Q, E419Q.
Identifiers: ClinVar variation 2061089 (VCV002061089.4), dbSNP rs777645662, ClinGen allele CA411529090.